The following is an entry in ClinVar:

NM_024113.5(CSTPP1):c.981C>T (p.Asp327=)

Gene: CSTPP1 (centriolar satellite-associated tubulin polyglutamylase complex regulator 1; plus strand). Cytogenetic location: 11p11.2.
Variant type: single nucleotide variant.
Coding change: c.981C>T on transcript NM_024113.5 (MANE Select); coding-DNA position 981, C replaced by T.
Protein change: p.Asp327=; no amino-acid change (aspartic acid 327 retained).
Molecular consequence: synonymous variant. On other transcripts: 3 prime UTR variant (1), non-coding transcript variant (2), intron variant (1).
Genome position (GRCh38, 1-based): chr11:47,161,623, C>T. VCF-style: chr11-47161623-C-T. GRCh37 (hg19) VCF-style: chr11-47183174-C-T.
Other names: c.*429C>T (NM_001003676.3); c.999C>T, p.Asp333= (NM_001003677.3); c.954C>T, p.Asp318= (NM_001278222.1); c.821+433C>T (NM_001003678.3).
Identifiers: ClinVar variation 2641757 (VCV002641757.24), dbSNP rs75415432, ClinGen allele CA5971106.
Genomic context (GRCh38, chr11:47,161,623, plus strand): 5'-ACCTCTCCATCATTCCCGAAAAGTGGATGGAGAGAGTGATGGCTCCACTGAAGAGACAGA[C>T]GAGTCGGAGACTTGAGGAGTCCAAAGGGTCCTGCCCACAGCGCCCTGTACCTGCTCCCAC-3'
Protein context (NP_077018.1, residues 317-331): GESDGSTEET[Asp327=]ESET

ClinVar aggregate classification (germline): Likely benign (1 of 4 stars; one submission).

Allele frequency attached by ClinVar (database versions not stated): TOPMed 0.00020; gnomAD 0.00031; ExAC 0.00042; 1000 Genomes Project 30x 0.00094; 1000 Genomes Project 0.00120.
gnomAD v4.1: 509 of 1,613,042 alleles (0.032%); highest among the groups gnomAD compares: East Asian, 0.69%; 3 homozygotes.

Submission:

CeGaT Center for Human Genetics Tuebingen
Classification: Likely benign. Last evaluated: 2023-04-01. Review status: criteria provided, single submitter. Criteria: CeGaT Center For Human Genetics Tuebingen Variant Classification Criteria Version 2. Collection method: clinical testing. Allele origin: germline. Affected: yes. Observed: 1 variant allele.
Comment: CSTPP1: BP4, BP7